The following is an entry in ClinVar:

NM_000138.5(FBN1):c.2849G>C (p.Cys950Ser)

Gene: FBN1 (fibrillin 1; minus strand). Cytogenetic location: 15q21.1.
Variant type: single nucleotide variant.
Coding change: c.2849G>C on transcript NM_000138.5 (MANE Select); coding-DNA position 2849, G replaced by C.
Protein change: p.Cys950Ser; replaces cysteine 950 with serine.
Molecular consequence: missense variant.
Genome position (GRCh38, 1-based): chr15:48,492,466, C>G on the plus strand (G>C on the coding strand, the complement: FBN1 is on the minus strand). VCF-style: chr15-48492466-C-G. GRCh37 (hg19) VCF-style: chr15-48784663-C-G.
Other names: short protein forms C950S.
Identifiers: ClinVar variation 638676 (VCV000638676.4), dbSNP rs1555398974, ClinGen allele CA392330412.

ClinVar aggregate classification (germline): Pathogenic (1 of 4 stars; one submission).

Conditions:
Marfan syndrome (MFS). Also called: FBN1-Related Marfan Syndrome; Marfan syndrome type 1; Marfan's syndrome; Marfan syndrome, classic; MARFAN SYNDROME, TYPE I. Identifiers: Orphanet 284963, Orphanet 558, MedGen C0024796, MONDO:0007947, OMIM 154700.

Submission:

Petrovsky National Research Centre of Surgery, The Federal Agency for Scientific Organizations
Classification: Pathogenic for Marfan syndrome. Last evaluated: 2019-08-29. Review status: criteria provided, single submitter. Criteria: ACMG Guidelines, 2015. Collection method: clinical testing. Allele origin: unknown. Inheritance: Autosomal dominant inheritance. Affected: yes. Observed: 1 heterozygote.
Comment: There are known 2 other missense variants at 950 codon (C950R, C950Y) that are associated with MFS (PMID: 17253931, 19293843; UMD-FBN1 ID: 2280, 733). Cysteine located in cbEGF-like domain with Disulfide bonds of 937-950. Cysteine substitutions in EGF domains are common pathogenic mechanisms of the disease (PMID: 1301946, 15161917). Computational resources like SIFT, PolyPhen2, Provean, MutationTaster show damaging effect. Based on new evidences we evaluate Cys950Ser as Pathogenic.